The following is an entry in ClinVar:

ClinVar aggregate classification (germline): Uncertain significance (1 of 4 stars; one submission).

Submission:

Labcorp Genetics (formerly Invitae), Labcorp
Classification: Uncertain significance. Last evaluated: 2023-12-17. Review status: criteria provided, single submitter. Criteria: Invitae Variant Classification Sherloc (09022015). Collection method: clinical testing. Allele origin: germline.
Comment: This sequence change replaces valine, which is neutral and non-polar, with leucine, which is neutral and non-polar, at codon 260 of the PRPF4 protein (p.Val260Leu). This variant is present in population databases (no rsID available, gnomAD 0.006%). This variant has not been reported in the literature in individuals affected with PRPF4-related conditions. An algorithm developed to predict the effect of missense changes on protein structure and function (PolyPhen-2) suggests that this variant is likely to be tolerated. In summary, the available evidence is currently insufficient to determine the role of this variant in disease. Therefore, it has been classified as a Variant of Uncertain Significance.

NM_001244926.2(PRPF4):c.775G>C (p.Val259Leu)

Gene: PRPF4 (pre-mRNA splicing tri-snRNP complex factor PRPF4; plus strand). Cytogenetic location: 9q32.
Variant type: single nucleotide variant.
Coding change: c.775G>C on transcript NM_001244926.2 (MANE Select); coding-DNA position 775, G replaced by C.
Protein change: p.Val259Leu; replaces valine 259 with leucine.
Molecular consequence: missense variant. On other transcripts: non-coding transcript variant (2).
Genome position (GRCh38, 1-based): chr9:113,286,257, G>C. VCF-style: chr9-113286257-G-C. GRCh37 (hg19) VCF-style: chr9-116048537-G-C.
Other names: c.49G>C, p.Val17Leu (NM_001322266.2, NM_001322267.2); c.778G>C, p.Val260Leu (NM_004697.5); short protein forms V17L, V259L, V260L.
Identifiers: ClinVar variation 2794969 (VCV002794969.3), dbSNP rs1335883588, ClinGen allele CA374553828.